The following is an entry in ClinVar:

NM_022552.5(DNMT3A):c.2697C>T (p.Arg899=)

Gene: DNMT3A (DNA methyltransferase 3 alpha; minus strand). Cytogenetic location: 2p23.3.
Variant type: single nucleotide variant.
Coding change: c.2697C>T on transcript NM_022552.5 (MANE Select); coding-DNA position 2697, C replaced by T.
Protein change: p.Arg899=; no amino-acid change (arginine 899 retained).
Molecular consequence: synonymous variant. On other transcripts: non-coding transcript variant (1).
Genome position (GRCh38, 1-based): chr2:25,234,321, G>A on the plus strand (C>T on the coding strand, the complement: DNMT3A is on the minus strand). VCF-style: chr2-25234321-G-A. GRCh37 (hg19) VCF-style: chr2-25457190-G-A.
Other names: c.2697C>T, p.Arg899= (NM_175629.2); c.2241C>T, p.Arg747= (NM_001320893.1); c.2028C>T, p.Arg676= (NM_001375819.1); c.2130C>T, p.Arg710= (NM_153759.3); c.2697C>T (NM_022552.3).
Identifiers: ClinVar variation 728368 (VCV000728368.38), dbSNP rs61758432, ClinGen allele CA1555471.

ClinVar aggregate classification (germline): Likely benign. Review status: criteria provided, multiple submitters, no conflicts (2 of 4 stars). 5 submissions from 5 submitters: Likely benign (5). Last evaluated 2025-09-24.

Conditions:
Inborn genetic diseases. Identifiers: MedGen C0950123, MeSH D030342.
Tatton-Brown-Rahman overgrowth syndrome. Also called: Tatton-Brown-Rahman syndrome; Tall stature-intellectual disability-facial dysmorphism syndrome. Identifiers: Orphanet 404443, MedGen C4014545, MONDO:0014382, OMIM 615879.

Allele frequency attached by ClinVar (database versions not stated): gnomAD 0.00013; gnomAD exomes 0.00014 and 0.00026; TOPMed 0.00014; ExAC 0.00019; ESP Exome Variant Server 0.00023; 1000 Genomes Project 30x 0.00031; 1000 Genomes Project 0.00040.

Submissions (5):

Labcorp Genetics (formerly Invitae), Labcorp
Classification: Likely benign for Tatton-Brown-Rahman overgrowth syndrome. Last evaluated: 2025-09-24. Review status: criteria provided, single submitter. Criteria: Invitae Variant Classification Sherloc (09022015). Collection method: clinical testing. Allele origin: germline.

Ambry Genetics
Classification: Likely benign for Inborn genetic diseases. Last evaluated: 2024-11-25. Review status: criteria provided, single submitter. Criteria: Ambry Variant Classification Scheme 2023. Collection method: clinical testing. Allele origin: germline.

Blueprint Genetics
Classification: Likely benign. Last evaluated: 2024-09-13. Review status: criteria provided, single submitter. Criteria: ACMG Guidelines, 2015. Collection method: clinical testing. Allele origin: germline.

CeGaT Center for Human Genetics Tuebingen
Classification: Likely benign. Last evaluated: 2023-01-01. Review status: criteria provided, single submitter. Criteria: CeGaT Center For Human Genetics Tuebingen Variant Classification Criteria Version 2. Collection method: clinical testing. Allele origin: germline. Affected: yes. Observed: 1 variant allele.
Comment: DNMT3A: BP4

GeneDx
Classification: Likely benign. Last evaluated: 2021-02-26. Review status: criteria provided, single submitter. Criteria: GeneDx Variant Classification Process June 2021. Collection method: clinical testing. Allele origin: germline. Affected: yes.
Comment: This variant is associated with the following publications: (PMID: 22744846)